The following is an entry in ClinVar:

ClinVar aggregate classification (germline): Likely benign. Review status: criteria provided, multiple submitters, no conflicts (2 of 4 stars). 2 submissions from 2 submitters: Likely benign (2). Last evaluated 2025-02-21.

Conditions:
PEX3-related disorder. Also called: PEX3-related condition.

Submissions (2):

PreventionGenetics, part of Exact Sciences
Classification: Likely benign for PEX3-related condition. Last evaluated: 2025-02-21. Review status: criteria provided, single submitter. Criteria: ACMG Guidelines, 2015. Collection method: clinical testing. Allele origin: germline.
Comment: This variant is classified as likely benign based on ACMG/AMP sequence variant interpretation guidelines (Richards et al. 2015 PMID: 25741868, with internal and published modifications).

Labcorp Genetics (formerly Invitae), Labcorp
Classification: Likely benign. Last evaluated: 2024-02-11. Review status: criteria provided, single submitter. Criteria: Invitae Variant Classification Sherloc (09022015). Collection method: clinical testing. Allele origin: germline.

NM_003630.3(PEX3):c.711T>C (p.Tyr237=)

Gene: PEX3 (peroxisomal biogenesis factor 3; plus strand). Cytogenetic location: 6q24.2.
Variant type: single nucleotide variant.
Coding change: c.711T>C on transcript NM_003630.3 (MANE Select); coding-DNA position 711, T replaced by C.
Protein change: p.Tyr237=; no amino-acid change (tyrosine 237 retained).
Molecular consequence: synonymous variant.
Genome position (GRCh38, 1-based): chr6:143,472,292, T>C. VCF-style: chr6-143472292-T-C. GRCh37 (hg19) VCF-style: chr6-143793429-T-C.
Other names: c.711T>C (NM_003630.2).
Identifiers: ClinVar variation 3696289 (VCV003696289.3).